The following is an entry in ClinVar:

ClinVar aggregate classification (germline): Uncertain significance (1 of 4 stars; one submission).

Allele frequency attached by ClinVar (database versions not stated): gnomAD exomes below 0.00001.

Submission:

Labcorp Genetics (formerly Invitae), Labcorp
Classification: Uncertain significance. Last evaluated: 2023-05-20. Review status: criteria provided, single submitter. Criteria: Invitae Variant Classification Sherloc (09022015). Collection method: clinical testing. Allele origin: germline.
Comment: In summary, the available evidence is currently insufficient to determine the role of this variant in disease. Therefore, it has been classified as a Variant of Uncertain Significance. An algorithm developed to predict the effect of missense changes on protein structure and function (PolyPhen-2) suggests that this variant is likely to be tolerated. This variant has not been reported in the literature in individuals affected with KLF11-related conditions. This variant is not present in population databases (gnomAD no frequency). This sequence change replaces threonine, which is neutral and polar, with serine, which is neutral and polar, at codon 173 of the KLF11 protein (p.Thr173Ser).

NM_003597.5(KLF11):c.518C>G (p.Thr173Ser)

Gene: KLF11 (KLF transcription factor 11; plus strand). Cytogenetic location: 2p25.1.
Variant type: single nucleotide variant.
Coding change: c.518C>G on transcript NM_003597.5 (MANE Select); coding-DNA position 518, C replaced by G.
Protein change: p.Thr173Ser; replaces threonine 173 with serine.
Molecular consequence: missense variant.
Genome position (GRCh38, 1-based): chr2:10,047,855, C>G. VCF-style: chr2-10047855-C-G. GRCh37 (hg19) VCF-style: chr2-10187982-C-G.
Other names: c.467C>G, p.Thr156Ser (NM_001177716.2, NM_001177718.2); short protein forms T156S, T173S.
Identifiers: ClinVar variation 2866519 (VCV002866519.3), dbSNP rs2527709279, ClinGen allele CA345801312.